The following is an entry in ClinVar:

ClinVar aggregate classification (germline): Uncertain significance (1 of 4 stars; one submission).

Submission:

GeneDx
Classification: Uncertain significance. Last evaluated: 2025-02-20. Review status: criteria provided, single submitter. Criteria: GeneDx Variant Classification Process June 2021. Collection method: clinical testing. Allele origin: germline. Affected: yes.
Comment: Not observed at significant frequency in large population cohorts (gnomAD); Initiation codon variant in a gene for which loss of function is not a known mechanism of disease; Has not been previously published as pathogenic or benign to our knowledge

NM_001257293.2(HNRNPH1):c.1A>T (p.Met1Leu)

Genes: HNRNPH1 (heterogeneous nuclear ribonucleoprotein H1; minus strand), LOC128966623 (uncharacterized LOC128966623; plus strand). Cytogenetic location: 5q35.3.
Variant type: single nucleotide variant.
Coding change: c.1A>T on transcript NM_001257293.2 (MANE Select); coding-DNA position 1, A replaced by T.
Protein change: p.Met1Leu; changes the start codon (methionine 1).
Molecular consequence: missense variant, initiator codon variant. On other transcripts: 5 prime UTR variant (8).
Genome position (GRCh38, 1-based): chr5:179,623,133, T>A on the plus strand (A>T on the coding strand, the complement: HNRNPH1 is on the minus strand). VCF-style: chr5-179623133-T-A. GRCh37 (hg19) VCF-style: chr5-179050134-T-A.
Other names: c.1A>T, p.Met1Leu (NM_001363572.2, NM_001364225.2, NM_001364226.2 and 40 more transcripts); c.-464A>T (NM_001364251.2, NM_001364252.2, NM_001364253.2 and 4 more transcripts); c.-365A>T (NM_001395190.1); short protein forms M1L.
Identifiers: ClinVar variation 4076799 (VCV004076799.1).